The following is an entry in ClinVar:

ClinVar aggregate classification (germline): Likely pathogenic (1 of 4 stars; one submission).

Conditions:
TP63-related disorder. Also called: TP63-related condition; TP63-Related Disorders. Identifiers: MedGen CN380159.

Submission:

3billion
Classification: Likely pathogenic for TP63-related disorder. Last evaluated: 2025-12-18. Review status: criteria provided, single submitter. Criteria: ACMG Guidelines, 2015. Collection method: clinical testing. Allele origin: germline. Affected: yes.
Comment: The variant is not observed in the gnomAD v4.1.0 dataset. Predicted Consequence/Location: Missense variant. Missense changes are a common disease-causing mechanism. Functional studies provide supporting evidence of the variant having a damaging effect on the gene or gene product (PMID: 36856110). In silico tool predictions suggest damaging effect of the variant on gene or gene product [REVEL: 0.72 (>=0.6, sensitivity 0.68 and specificity 0.92); 3Cnet: 0.98 (> 0.75, sensitivity 0.96 and precision 0.92)]. The same nucleotide change resulting in the same amino acid change has been previously reported to be associated with TP63-related disorder (PMID: 36856110).The variant has been previously reported as assumed (i.e. paternity and maternity not confirmed) de novo in at least one similarly affected unrelated individual (PMID: 39529088). Therefore, this variant is classified as Likely pathogenic according to the recommendation of ACMG/AMP guideline.

Literature cited by the submitters: PubMed 39529088; PubMed 36856110.

NM_003722.5(TP63):c.1928G>A (p.Arg643Gln)

Gene: TP63 (tumor protein p63; plus strand). Cytogenetic location: 3q28.
Variant type: single nucleotide variant.
Coding change: c.1928G>A on transcript NM_003722.5 (MANE Select); coding-DNA position 1928, G replaced by A.
Protein change: p.Arg643Gln; replaces arginine 643 with glutamine.
Molecular consequence: missense variant. On other transcripts: 3 prime UTR variant (6).
Genome position (GRCh38, 1-based): chr3:189,894,387, G>A. VCF-style: chr3-189894387-G-A. GRCh37 (hg19) VCF-style: chr3-189612176-G-A.
Other names: c.*156G>A (NM_001329145.2, NM_001329149.2, NM_001329150.2 and 1 more transcripts); c.1391G>A, p.Arg464Gln (NM_001329146.2); c.1916G>A, p.Arg639Gln (NM_001329148.2); c.1922G>A, p.Arg641Gln (NM_001329964.2); c.*166G>A (NM_001114978.2, NM_001114981.2); c.1646G>A, p.Arg549Gln (NM_001114980.2); short protein forms R464Q, R549Q, R639Q, R641Q, R643Q.
Identifiers: ClinVar variation 4854136 (VCV004854136.1).